The following is an entry in ClinVar:

ClinVar aggregate classification (germline): Uncertain significance (1 of 4 stars; one submission).

Allele frequency attached by ClinVar (database versions not stated): gnomAD 0.00003; TOPMed 0.00004.
gnomAD v4.1: 56 of 1,592,030 alleles (0.0035%); highest among the groups gnomAD compares: Non-Finnish European, 0.0034%; no homozygotes.

Submissions (3):

Labcorp Genetics (formerly Invitae), Labcorp
Classification: Uncertain significance. Last evaluated: 2022-04-22. Review status: criteria provided, single submitter. Criteria: Invitae Variant Classification Sherloc (09022015). Collection method: clinical testing. Allele origin: germline.
Comment: Algorithms developed to predict the effect of sequence changes on RNA splicing suggest that this variant may create or strengthen a splice site. This sequence change replaces alanine, which is neutral and non-polar, with valine, which is neutral and non-polar, at codon 809 of the NDST1 protein (p.Ala809Val). This variant is present in population databases (rs201660056, gnomAD 0.02%). This variant has not been reported in the literature in individuals affected with NDST1-related conditions. Algorithms developed to predict the effect of missense changes on protein structure and function output the following: SIFT: "Tolerated"; PolyPhen-2: "Benign"; Align-GVGD: "Class C0". The valine amino acid residue is found in multiple mammalian species, which suggests that this missense change does not adversely affect protein function. In summary, the available evidence is currently insufficient to determine the role of this variant in disease. Therefore, it has been classified as a Variant of Uncertain Significance.

Dr. Peter K. Rogan Lab, Western University
No classification provided (evidence only). Condition: Gastric cancer. Review status: no classification provided. Collection method: in vitro. Allele origin: not applicable. Functional consequence: cryptic splice site, retained intron. Not counted in ClinVar's aggregate classification.

Dr. Peter K. Rogan Lab, Western University
No classification provided (evidence only). Condition: Nonpapillary renal cell carcinoma. Review status: no classification provided. Collection method: in vitro. Allele origin: not applicable. Functional consequence: retained intron. Not counted in ClinVar's aggregate classification.

NM_001543.5(NDST1):c.2426C>T (p.Ala809Val)

Gene: NDST1 (N-deacetylase and N-sulfotransferase 1; plus strand). Cytogenetic location: 5q33.1.
Variant type: single nucleotide variant.
Coding change: c.2426C>T on transcript NM_001543.5 (MANE Select); coding-DNA position 2426, C replaced by T.
Protein change: p.Ala809Val; replaces alanine 809 with valine.
Molecular consequence: missense variant.
Genome position (GRCh38, 1-based): chr5:150,549,787, C>T. VCF-style: chr5-150549787-C-T. GRCh37 (hg19) VCF-style: chr5-149929349-C-T.
Other names: c.2255C>T, p.Ala752Val (NM_001301063.2); short protein forms A809V, A752V.
Identifiers: ClinVar variation 2136857 (VCV002136857.5), dbSNP rs201660056, ClinGen allele CA3512959.